The following is an entry in ClinVar:

ClinVar aggregate classification (germline): Uncertain significance. Review status: criteria provided, multiple submitters, no conflicts (2 of 4 stars). 2 submissions from 2 submitters: Uncertain significance (2). Last evaluated 2025-09-17.

Allele frequency attached by ClinVar (database versions not stated): gnomAD 0.00001.

Submissions (2):

Women's Health and Genetics/Laboratory Corporation of America, LabCorp
Classification: Uncertain significance. Last evaluated: 2025-09-17. Review status: criteria provided, single submitter. Criteria: LabCorp Variant Classification Summary - May 2015. Collection method: clinical testing. Allele origin: germline.
Comment: Variant summary: GH1 c.510C>G (p.Ser170Arg) results in a non-conservative amino acid change in the encoded protein sequence. Algorithms developed to predict the effect of missense changes on protein structure and function are either unavailable or do not agree on the potential impact of this missense change. The variant was absent in 251178 control chromosomes. The available data on variant occurrences in the general population are insufficient to allow any conclusion about variant significance. To our knowledge, no occurrence of c.510C>G in individuals affected with GH1-related conditions and no experimental evidence demonstrating its impact on protein function have been reported. ClinVar contains an entry for this variant (Variation ID: 2786991). Based on the evidence outlined above, the variant was classified as uncertain significance.

Labcorp Genetics (formerly Invitae), Labcorp
Classification: Uncertain significance. Last evaluated: 2023-09-18. Review status: criteria provided, single submitter. Criteria: Invitae Variant Classification Sherloc (09022015). Collection method: clinical testing. Allele origin: germline.
Comment: This sequence change replaces serine, which is neutral and polar, with arginine, which is basic and polar, at codon 170 of the GH1 protein (p.Ser170Arg). This variant is present in population databases (no rsID available, gnomAD 0.007%). This variant has not been reported in the literature in individuals affected with GH1-related conditions. An algorithm developed to predict the effect of missense changes on protein structure and function (PolyPhen-2) suggests that this variant is likely to be tolerated. In summary, the available evidence is currently insufficient to determine the role of this variant in disease. Therefore, it has been classified as a Variant of Uncertain Significance.

NM_000515.5(GH1):c.510C>G (p.Ser170Arg)

Genes: GH-LCR (growth hormone locus control region; plus strand), GH1 (growth hormone 1; minus strand). Cytogenetic location: 17q23.3.
Variant type: single nucleotide variant.
Coding change: c.510C>G on transcript NM_000515.5 (MANE Select); coding-DNA position 510, C replaced by G.
Protein change: p.Ser170Arg; replaces serine 170 with arginine.
Molecular consequence: missense variant.
Genome position (GRCh38, 1-based): chr17:63,917,453, G>C on the plus strand (C>G on the coding strand, the complement: GH1 is on the minus strand). VCF-style: chr17-63917453-G-C. GRCh37 (hg19) VCF-style: chr17-61994813-G-C.
Other names: c.465C>G, p.Ser155Arg (NM_022559.4); c.390C>G, p.Ser130Arg (NM_022560.4); short protein forms S130R, S170R, S155R.
Identifiers: ClinVar variation 2786991 (VCV002786991.4), dbSNP rs1175535277, ClinGen allele CA400610900.